The following is an entry in ClinVar:

ClinVar aggregate classification (germline): Conflicting classifications of pathogenicity. Review status: criteria provided, conflicting classifications (1 of 4 stars). 5 submissions from 5 submitters: Uncertain significance (3); Likely benign (2). Last evaluated 2026-06-11.

Conditions:
POLG-related disorder. Also called: POLG-Related Spectrum Disorders; POLG-related condition; POLG-Related Disorders. Identifiers: MedGen C4763519.
Progressive sclerosing poliodystrophy (MTDPS4A). Also called: NEURONAL DEGENERATION OF CHILDHOOD WITH LIVER DISEASE, PROGRESSIVE; Mitochondrial DNA depletion syndrome 4A (Alpers type); ALPERS PROGRESSIVE INFANTILE POLIODYSTROPHY; Mitochondrial DNA Depletion Syndrome 4A; Alpers-Huttenlocher Syndrome (AHS); Alpers Syndrome. Identifiers: Orphanet 726, MedGen C0205710, MONDO:0008758, OMIM 203700.

Submissions (5):

PreventionGenetics, part of Exact Sciences
Classification: Uncertain significance for POLG-related condition. Last evaluated: 2026-06-11. Review status: criteria provided, single submitter. Criteria: ACMG Guidelines, 2015. Collection method: clinical testing. Allele origin: germline.
Comment: The POLG c.159_164dup6 variant is predicted to result in an in-frame duplication (p.Gln54_Gln55dup). To our knowledge, this variant has not been reported in the literature. This variant is reported in 0.0044% of alleles in individuals of African descent in gnomAD. At this time, the clinical significance of this variant is uncertain due to the absence of conclusive functional and genetic evidence.

Labcorp Genetics (formerly Invitae), Labcorp
Classification: Likely benign for Progressive sclerosing poliodystrophy. Last evaluated: 2026-01-09. Review status: criteria provided, single submitter. Criteria: Invitae Variant Classification Sherloc (09022015). Collection method: clinical testing. Allele origin: germline.

Mayo Clinic Laboratories, Mayo Clinic
Classification: Uncertain significance. Last evaluated: 2023-04-20. Review status: criteria provided, single submitter. Criteria: ACMG Guidelines, 2015. Collection method: clinical testing. Allele origin: germline. Observed: 1 variant allele.
Comment: BP3

Revvity Omics, Revvity
Classification: Uncertain significance. Last evaluated: 2022-05-23. Review status: criteria provided, single submitter. Criteria: ACMG Guidelines, 2015. Collection method: clinical testing. Allele origin: germline.

GeneDx
Classification: Likely benign. Last evaluated: 2019-11-06. Review status: criteria provided, single submitter. Criteria: GeneDx Variant Classification Process June 2021. Collection method: clinical testing. Allele origin: germline. Affected: yes.
Comment: This variant is associated with the following publications: (PMID: 27535533)

Literature cited by the submitters: PubMed 32531456 (cited by Mayo Clinic Laboratories, Mayo Clinic).

NM_002693.3(POLG):c.159_164dup (p.Gln54_Gln55dup)

Genes: POLG (DNA polymerase gamma, catalytic subunit; minus strand), POLGARF (POLG alternative reading frame; minus strand). Cytogenetic location: 15q26.1.
Variant type: Duplication.
Coding change: c.159_164dup on transcript NM_002693.3 (MANE Select); coding-DNA positions 159 to 164, 6 bases duplicated (ACAGCA; older notation c.159_164dupACAGCA).
Protein change: p.Gln54_Gln55dup.
Molecular consequence: inframe insertion.
Genome position (GRCh38, 1-based): chr15:89,333,591-89,333,596, TGCTGT duplicated on the plus strand (ACAGCA on the coding strand, the reverse complement: POLG is on the minus strand); duplicating any 6 consecutive bases within chr15:89,333,591-89,333,601 gives the same sequence; the c. name uses the placement nearest the transcript's 3' end. VCF-style (leftmost placement, unchanged base first): chr15-89333590-C-CTGCTGT. GRCh37 (hg19) VCF-style: chr15-89876821-C-CTGCTGT.
Other names: p.Gln54_Gln55dup; c.164_165insACAGCA (NM_002693.2); c.159_164dup, p.Gln54_Gln55dup (NM_001126131.2).
Identifiers: ClinVar variation 419760 (VCV000419760.19), dbSNP rs760135553, ClinGen allele CA7725176.